The following is an entry in ClinVar:

ClinVar aggregate classification (germline): Conflicting classifications of pathogenicity. Review status: criteria provided, conflicting classifications (1 of 4 stars). 2 submissions from 2 submitters: Uncertain significance (1); Likely benign (1). Last evaluated 2018-01-13.

Conditions:
Generalized juvenile polyposis/juvenile polyposis coli. Also called: Juvenile polyposis coli. Identifiers: Orphanet 329971, MedGen C1868081, MONDO:0008276.

Allele frequency attached by ClinVar (database versions not stated): gnomAD exomes below 0.00001; TOPMed 0.00002; gnomAD 0.00003.
gnomAD v4.1: 7 of 759,858 alleles (0.00092%); highest among the groups gnomAD compares: African/African-American, 0.0035%; no homozygotes.

Submissions (2):

Illumina Laboratory Services, Illumina
Classification: Uncertain significance for Juvenile polyposis syndrome. Last evaluated: 2018-01-13. Review status: criteria provided, single submitter. Criteria: ICSL Variant Classification Criteria 13 December 2019. Collection method: clinical testing. Allele origin: germline.

GeneDx
Classification: Likely benign. Last evaluated: 2017-06-13. Review status: criteria provided, single submitter. Criteria: GeneDx Variant Classification (06012015). Collection method: clinical testing. Allele origin: germline. Affected: yes.
Comment: This variant is considered likely benign or benign based on one or more of the following criteria: it is a conservative change, it occurs at a poorly conserved position in the protein, it is predicted to be benign by multiple in silico algorithms, and/or has population frequency not consistent with disease.

NM_004329.3(BMPR1A):c.-137A>G

Gene: BMPR1A (bone morphogenetic protein receptor type 1A; plus strand). Cytogenetic location: 10q23.2.
Variant type: single nucleotide variant.
Coding change: c.-137A>G on transcript NM_004329.3 (MANE Select); 137 bases upstream of the start codon, A replaced by G.
Molecular consequence: 5 prime UTR variant.
Genome position (GRCh38, 1-based): chr10:86,875,882, A>G. VCF-style: chr10-86875882-A-G. GRCh37 (hg19) VCF-style: chr10-88635639-A-G.
Identifiers: ClinVar variation 301349 (VCV000301349.5), dbSNP rs886047360, ClinGen allele CA10636725.